The following is an entry in ClinVar:

ClinVar aggregate classification (germline): Uncertain significance (1 of 4 stars; one submission).

Conditions:
Hereditary cancer-predisposing syndrome. Also called: Hereditary Cancer Syndrome; Hereditary neoplastic syndrome; Neoplastic Syndromes, Hereditary; Tumor predisposition. Identifiers: Orphanet 140162, MedGen C0027672, MeSH D009386, MONDO:0015356.

Submission:

Ambry Genetics
Classification: Uncertain significance for Hereditary cancer-predisposing syndrome. Last evaluated: 2021-05-14. Review status: criteria provided, single submitter. Criteria: Ambry Variant Classification Scheme 2023. Collection method: clinical testing. Allele origin: germline.
Comment: The c.1478_1480delAGG variant (also known as p.E493del) is located in coding exon 4 of the MSH6 gene. This variant results from an in-frame AGG deletion at nucleotide positions 1478 to 1480. This results in the in-frame deletion of a glutamic acid at codon 493. This amino acid position is highly conserved in available vertebrate species. In addition, this alteration is predicted to be deleterious by in silico analysis (Choi Y et al. PLoS ONE. 2012; 7(10):e46688). Since supporting evidence is limited at this time, the clinical significance of this alteration remains unclear.

NM_000179.3(MSH6):c.1478_1480del (p.Glu493del)

Gene: MSH6 (mutS homolog 6; plus strand). Cytogenetic location: 2p16.3.
Variant type: Deletion.
Coding change: c.1478_1480del on transcript NM_000179.3 (MANE Select); coding-DNA positions 1478 to 1480, 3 bases deleted (AGG; older notation c.1478_1480delAGG).
Protein change: p.Glu493del; deletes glutamic acid 493.
Molecular consequence: inframe deletion. On other transcripts: inframe indel (35).
Genome position (GRCh38, 1-based): chr2:47,799,461-47,799,463, AGG deleted; deleting any 3 consecutive bases within chr2:47,799,459-47,799,463 gives the same sequence; the c. name uses the placement nearest the transcript's 3' end. VCF-style (leftmost placement, unchanged base first): chr2-47799458-TGGA-T. GRCh37 (hg19) VCF-style: chr2-48026597-TGGA-T.
Other names: c.1088_1090del, p.Glu363del (NM_001281492.2); c.572_574del, p.Glu191del (NM_001281493.2, NM_001281494.2); c.1574_1576delAGG, p.Glu525del (NM_001406795.1, NM_001406802.1); c.1478_1480delAGG, p.Glu493del (NM_001406796.1, NM_001406798.1, NM_001406800.1 and 4 more transcripts); c.1181_1183delAGG, p.Glu394del (NM_001406797.1, NM_001406801.1, NM_001406805.1 and 10 more transcripts); c.953_955delAGG, p.Glu318del (NM_001406799.1, NM_001406806.1, NM_001406807.1); c.1400_1402delAGG, p.Glu467del (NM_001406804.1); c.572_574delAGG, p.Glu191del (NM_001406811.1, NM_001406812.1, NM_001406814.1 and 4 more transcripts); and 2 more; short protein forms E394del, E318del, E467del, E363del, E493del, E495del, E191del, E437del.
Identifiers: ClinVar variation 1773483 (VCV001773483.2), dbSNP rs2530611849, ClinGen allele CA2580067595.